The following is an entry in ClinVar:

ClinVar aggregate classification (germline): Likely benign (0 of 4 stars; one submission).

Conditions:
MAPKBP1-related disorder. Also called: MAPKBP1-related condition.

Allele frequency attached by ClinVar (database versions not stated): gnomAD 0.00001; TOPMed 0.00002; ESP Exome Variant Server 0.00008.
gnomAD v4.1: 24 of 1,614,086 alleles (0.0015%); highest among the groups gnomAD compares: Non-Finnish European, 0.002%; no homozygotes.

Submission:

PreventionGenetics, part of Exact Sciences
Classification: Likely benign for MAPKBP1-related condition. Last evaluated: 2019-06-18. Review status: no assertion criteria provided. Collection method: clinical testing. Allele origin: germline.
Comment: This variant is classified as likely benign based on ACMG/AMP sequence variant interpretation guidelines (Richards et al. 2015 PMID: 25741868, with internal and published modifications).

NM_014994.3(MAPKBP1):c.3879C>T (p.Asp1293=)

Gene: MAPKBP1 (mitogen-activated protein kinase binding protein 1; plus strand). Cytogenetic location: 15q15.1.
Variant type: single nucleotide variant.
Coding change: c.3879C>T on transcript NM_014994.3 (MANE Select); coding-DNA position 3879, C replaced by T.
Protein change: p.Asp1293=; no amino-acid change (aspartic acid 1293 retained).
Molecular consequence: synonymous variant. On other transcripts: non-coding transcript variant (2), intron variant (1).
Genome position (GRCh38, 1-based): chr15:41,823,727, C>T. VCF-style: chr15-41823727-C-T. GRCh37 (hg19) VCF-style: chr15-42115925-C-T.
Other names: c.3897C>T, p.Asp1299= (NM_001128608.2); c.3382+721C>T (NM_001265611.2).
Identifiers: ClinVar variation 3034281 (VCV003034281.2), dbSNP rs146864744, ClinGen allele CA7498682.